The following is an entry in ClinVar:

NM_000138.5(FBN1):c.4154del (p.Gly1385fs)

Gene: FBN1 (fibrillin 1; minus strand). Cytogenetic location: 15q21.1.
Variant type: Deletion.
Coding change: c.4154del on transcript NM_000138.5 (MANE Select); coding-DNA position 4154, one base deleted (G; older notation c.4154delG).
Protein change: p.Gly1385fs; shifts the reading frame from glycine 1385.
Molecular consequence: frameshift variant.
Genome position (GRCh38, 1-based): chr15:48,474,311, C deleted on the plus strand (G on the coding strand, the reverse complement: FBN1 is on the minus strand); the first of 3 consecutive C bases (chr15:48,474,311-48,474,313); deleting any one gives the same sequence. VCF-style (leftmost placement, unchanged base first): chr15-48474310-TC-T. GRCh37 (hg19) VCF-style: chr15-48766507-TC-T.
Other names: short protein forms G1385fs.
Identifiers: ClinVar variation 946805 (VCV000946805.1), dbSNP rs2043402092, ClinGen allele CA1139663889.

ClinVar aggregate classification (germline): Pathogenic (1 of 4 stars; one submission).

Conditions:
Familial thoracic aortic aneurysm and aortic dissection (TAAD). Also called: Thoracic aortic aneurysms and dissections. Identifiers: Orphanet 91387, MedGen C4707243, MONDO:0019625.
Marfan syndrome (MFS). Also called: Marfan syndrome, classic; Marfan syndrome type 1; Marfan's syndrome; FBN1-Related Marfan Syndrome; MARFAN SYNDROME, TYPE I. Identifiers: Orphanet 284963, Orphanet 558, MedGen C0024796, MONDO:0007947, OMIM 154700.

Submission:

Labcorp Genetics (formerly Invitae), Labcorp
Classification: Pathogenic for Marfan syndrome; Familial thoracic aortic aneurysm and aortic dissection. Last evaluated: 2019-04-29. Review status: criteria provided, single submitter. Criteria: Invitae Variant Classification Sherloc (09022015). Collection method: clinical testing. Allele origin: germline.
Comment: This sequence change creates a premature translational stop signal (p.Gly1385Aspfs*28) in the FBN1 gene. It is expected to result in an absent or disrupted protein product. This variant is not present in population databases (ExAC no frequency). This variant has not been reported in the literature in individuals with FBN1-related conditions. Loss-of-function variants in FBN1 are known to be pathogenic (PMID: 17657824, 19293843). For these reasons, this variant has been classified as Pathogenic.